The following is an entry in ClinVar:

ClinVar aggregate classification (germline): Uncertain significance (1 of 4 stars; one submission).

Conditions:
Methylcobalamin deficiency type cblE (HMAE). Also called: HOMOCYSTINURIA-MEGALOBLASTIC ANEMIA, cblE TYPE; VITAMIN B12-RESPONSIVE HOMOCYSTINURIA, cblE TYPE; HOMOCYSTINURIA-MEGALOBLASTIC ANEMIA, cblE COMPLEMENTATION TYPE. Identifiers: Orphanet 2169, Orphanet 622, MedGen C1856057, MONDO:0009354, OMIM 236270.

Allele frequency attached by ClinVar (database versions not stated): gnomAD exomes 0.00001; ExAC 0.00002.
gnomAD v4.1: 5 of 1,614,058 alleles (0.00031%); highest among the groups gnomAD compares: East Asian, 0.0067%; no homozygotes.

Submission:

Labcorp Genetics (formerly Invitae), Labcorp
Classification: Uncertain significance for Methylcobalamin deficiency type cblE. Last evaluated: 2022-06-29. Review status: criteria provided, single submitter. Criteria: Invitae Variant Classification Sherloc (09022015). Collection method: clinical testing. Allele origin: germline.
Comment: This sequence change replaces glutamic acid, which is acidic and polar, with glutamine, which is neutral and polar, at codon 643 of the MTRR protein (p.Glu643Gln). This variant is present in population databases (rs750142938, gnomAD 0.02%). This variant has not been reported in the literature in individuals affected with MTRR-related conditions. Algorithms developed to predict the effect of missense changes on protein structure and function are either unavailable or do not agree on the potential impact of this missense change (SIFT: "Tolerated"; PolyPhen-2: "Probably Damaging"; Align-GVGD: "Class C0"). In summary, the available evidence is currently insufficient to determine the role of this variant in disease. Therefore, it has been classified as a Variant of Uncertain Significance.

NM_002454.3(MTRR):c.1927G>C (p.Glu643Gln)

Gene: MTRR (5-methyltetrahydrofolate-homocysteine methyltransferase reductase; plus strand). Cytogenetic location: 5p15.31.
Variant type: single nucleotide variant.
Coding change: c.1927G>C on transcript NM_002454.3 (MANE Select); coding-DNA position 1927, G replaced by C.
Protein change: p.Glu643Gln; replaces glutamic acid 643 with glutamine.
Molecular consequence: missense variant. On other transcripts: non-coding transcript variant (14).
Genome position (GRCh38, 1-based): chr5:7,897,222, G>C. VCF-style: chr5-7897222-G-C. GRCh37 (hg19) VCF-style: chr5-7897335-G-C.
Other names: c.1927G>C, p.Glu643Gln (NM_001364440.2, NM_001364441.2, NM_001364442.2 and 1 more transcripts); short protein forms E643Q.
Identifiers: ClinVar variation 2152438 (VCV002152438.1), dbSNP rs750142938, ClinGen allele CA3196101.